The following is an entry in ClinVar:

ClinVar aggregate classification (germline): Likely pathogenic (1 of 4 stars; one submission).

Conditions:
Niemann-Pick disease, type C2 (NPC2). Identifiers: Orphanet 646, MedGen C1843366, MONDO:0011873, OMIM 607625.

Allele frequency attached by ClinVar (database versions not stated): gnomAD exomes below 0.00001.
gnomAD v4.1: 1 of 1,605,016 alleles (0.000062%); highest among the groups gnomAD compares: Non-Finnish European, 0.000085%; no homozygotes.

Submission:

Myriad Genetics, Inc.
Classification: Likely pathogenic for Niemann-Pick disease, type C2. Last evaluated: 2022-03-31. Review status: criteria provided, single submitter. Criteria: Myriad Women's Health Autosomal Recessive and X-Linked Classification Criteria (2021). Collection method: clinical testing. Allele origin: unknown.
Comment: NM_006432.3(NPC2):c.154G>T(G52*) is expected to be pathogenic in the context of Niemann-Pick disease type C2. This variant is predicted to lead to an abnormal or absent protein product due to the creation of a premature termination codon in NPC2, a gene where loss-of-function variants are known to be pathogenic. Please note: this variant was assessed in the context of healthy population screening.

NM_006432.5(NPC2):c.154G>T (p.Gly52Ter)

Gene: NPC2 (NPC intracellular cholesterol transporter 2; minus strand). Cytogenetic location: 14q24.3.
Variant type: single nucleotide variant.
Coding change: c.154G>T on transcript NM_006432.5 (MANE Select); coding-DNA position 154, G replaced by T.
Protein change: p.Gly52Ter; replaces glycine 52 with a stop codon.
Molecular consequence: nonsense.
Genome position (GRCh38, 1-based): chr14:74,486,365, C>A on the plus strand (G>T on the coding strand, the complement: NPC2 is on the minus strand). VCF-style: chr14-74486365-C-A. GRCh37 (hg19) VCF-style: chr14-74953068-C-A.
Other names: c.154G>T, p.Gly52Ter (NM_001363688.1, NM_001375440.1); short protein forms G52*.
Identifiers: ClinVar variation 1725676 (VCV001725676.2), dbSNP rs2506107168, ClinGen allele CA390532704.